The following is an entry in ClinVar:

NM_000020.3(ACVRL1):c.1448T>G (p.Leu483Arg)

Gene: ACVRL1 (activin A receptor like type 1; plus strand). Cytogenetic location: 12q13.13.
Variant type: single nucleotide variant.
Coding change: c.1448T>G on transcript NM_000020.3 (MANE Select); coding-DNA position 1448, T replaced by G.
Protein change: p.Leu483Arg; replaces leucine 483 with arginine.
Molecular consequence: missense variant.
Genome position (GRCh38, 1-based): chr12:51,920,829, T>G. VCF-style: chr12-51920829-T-G. GRCh37 (hg19) VCF-style: chr12-52314613-T-G.
Other names: c.1448T>G, p.Leu483Arg (NM_001077401.2); short protein forms L483R.
Identifiers: ClinVar variation 565745 (VCV000565745.8), dbSNP rs1565597471, ClinGen allele CA384905789.

ClinVar aggregate classification (germline): Uncertain significance (1 of 4 stars; one submission).

Conditions:
Telangiectasia, hereditary hemorrhagic, type 2 (HHT2). Also called: ACVRL1-Related Hereditary Hemorrhagic Telangiectasia; Telangiectasia, hereditary hemorrhagic, type II. Identifiers: Orphanet 774, MedGen C1838163, MONDO:0010880, OMIM 600376. Disease mechanism: loss of function.

Submission:

Labcorp Genetics (formerly Invitae), Labcorp
Classification: Uncertain significance for Telangiectasia, hereditary hemorrhagic, type 2. Last evaluated: 2018-05-06. Review status: criteria provided, single submitter. Criteria: Invitae Variant Classification Sherloc (09022015). Collection method: clinical testing. Allele origin: germline.
Comment: This variant has not been reported in the literature in individuals with ACVRL1-related disease. In summary, the available evidence is currently insufficient to determine the role of this variant in disease. Therefore, it has been classified as a Variant of Uncertain Significance. Algorithms developed to predict the effect of missense changes on protein structure and function (SIFT, PolyPhen-2, Align-GVGD) all suggest that this variant is likely to be disruptive, but these predictions have not been confirmed by published functional studies and their clinical significance is uncertain. This variant is not present in population databases (ExAC no frequency). This sequence change replaces leucine with arginine at codon 483 of the ACVRL1 protein (p.Leu483Arg). The leucine residue is highly conserved and there is a moderate physicochemical difference between leucine and arginine.